The following is an entry in ClinVar:

NM_004560.4(ROR2):c.2694G>C (p.Gln898His)

Gene: ROR2 (ROR family WNT receptor 2; minus strand). Cytogenetic location: 9q22.31.
Variant type: single nucleotide variant.
Coding change: c.2694G>C on transcript NM_004560.4 (MANE Select); coding-DNA position 2694, G replaced by C.
Protein change: p.Gln898His; replaces glutamine 898 with histidine.
Molecular consequence: missense variant.
Genome position (GRCh38, 1-based): chr9:91,723,800, C>G on the plus strand (G>C on the coding strand, the complement: ROR2 is on the minus strand). VCF-style: chr9-91723800-C-G. GRCh37 (hg19) VCF-style: chr9-94486082-C-G.
Other names: c.2694G>C (NM_004560.3); short protein forms Q898H.
Identifiers: ClinVar variation 1610228 (VCV001610228.12), dbSNP rs141070315, ClinGen allele CA5120333.

ClinVar aggregate classification (germline): Conflicting classifications of pathogenicity. Review status: criteria provided, conflicting classifications (1 of 4 stars). 3 submissions from 3 submitters: Uncertain significance (2); Likely benign (1). Last evaluated 2026-01-25.

Conditions:
ROR2-related disorder. Also called: ROR2-related condition; ROR2-related disorders.
Inborn genetic diseases. Identifiers: MedGen C0950123, MeSH D030342.

Allele frequency attached by ClinVar (database versions not stated): ExAC 0.00010; ESP Exome Variant Server 0.00015; gnomAD 0.00017; TOPMed 0.00020.
gnomAD v4.1: 151 of 1,613,778 alleles (0.0094%); highest among the groups gnomAD compares: African/African-American, 0.041%; no homozygotes.

Submissions (3):

Labcorp Genetics (formerly Invitae), Labcorp
Classification: Likely benign. Last evaluated: 2026-01-25. Review status: criteria provided, single submitter. Criteria: Invitae Variant Classification Sherloc (09022015). Collection method: clinical testing. Allele origin: germline.

Ambry Genetics
Classification: Uncertain significance for Inborn genetic diseases. Last evaluated: 2025-10-21. Review status: criteria provided, single submitter. Criteria: Ambry Variant Classification Scheme 2023. Collection method: clinical testing. Allele origin: germline.

PreventionGenetics, part of Exact Sciences
Classification: Uncertain significance for ROR2-related condition. Last evaluated: 2023-06-20. Review status: criteria provided, single submitter. Criteria: ACMG Guidelines, 2015. Collection method: clinical testing. Allele origin: germline.
Comment: The ROR2 c.2694G>C variant is predicted to result in the amino acid substitution p.Gln898His. To our knowledge, this variant has not been reported in the literature. This variant is reported in 0.036% of alleles in individuals of African descent in gnomAD. At this time, the clinical significance of this variant is uncertain due to the absence of conclusive functional and genetic evidence.